The following is an entry in ClinVar:

NM_016219.5(MAN1B1):c.794G>A (p.Arg265His)

Gene: MAN1B1 (mannosidase alpha class 1B member 1; plus strand). Cytogenetic location: 9q34.3.
Variant type: single nucleotide variant.
Coding change: c.794G>A on transcript NM_016219.5 (MANE Select); coding-DNA position 794, G replaced by A.
Protein change: p.Arg265His; replaces arginine 265 with histidine.
Molecular consequence: missense variant. On other transcripts: non-coding transcript variant (2).
Genome position (GRCh38, 1-based): chr9:137,099,759, G>A. VCF-style: chr9-137099759-G-A. GRCh37 (hg19) VCF-style: chr9-139994211-G-A.
Other names: short protein forms R265H.
Identifiers: ClinVar variation 211431 (VCV000211431.26), dbSNP rs114057640, ClinGen allele CA207859.

ClinVar aggregate classification (germline): Conflicting classifications of pathogenicity. Review status: criteria provided, conflicting classifications (1 of 4 stars). 6 submissions from 6 submitters: Uncertain significance (1); Benign (3); Likely benign (1). 1 of the submissions does not count toward it. Last evaluated 2026-01-21.

Conditions:
Inborn genetic diseases. Identifiers: MedGen C0950123, MeSH D030342.
Rafiq syndrome (RAFQS). Identifiers: Orphanet 88616, MedGen C3280127, MONDO:0013624, OMIM 614202.
Intellectual disability. Also called: Intellectual functioning disability; Intellectual developmental disorder; intellectual disabilities. Identifiers: MedGen C3714756, MeSH D008607, MONDO:0001071, HP:0001249.

Allele frequency attached by ClinVar (database versions not stated): gnomAD 0.00366 and 0.00392; TOPMed 0.00362; 1000 Genomes Project 0.00459; ExAC 0.00113; 1000 Genomes Project 30x 0.00437; ESP Exome Variant Server 0.00308.
gnomAD v4.1: 1,151 of 1,614,200 alleles (0.071%); highest among the groups gnomAD compares: African/African-American, 1.2%; 3 homozygotes.

Submissions (6):

Labcorp Genetics (formerly Invitae), Labcorp
Classification: Benign for Rafiq syndrome. Last evaluated: 2026-01-21. Review status: criteria provided, single submitter. Criteria: Invitae Variant Classification Sherloc (09022015). Collection method: clinical testing. Allele origin: germline.

Illumina Laboratory Services, Illumina
Classification: Benign for Rafiq syndrome. Last evaluated: 2018-01-13. Review status: criteria provided, single submitter. Criteria: ICSL Variant Classification Criteria 13 December 2019. Collection method: clinical testing. Allele origin: germline.
Comment: This variant was observed in the ICSL laboratory as part of a predisposition screen in an ostensibly healthy population. It had not been previously curated by ICSL or reported in the Human Gene Mutation Database (HGMD: prior to June 1st, 2018), and was therefore a candidate for classification through an automated scoring system. Utilizing variant allele frequency, disease prevalence and penetrance estimates, and inheritance mode, an automated score was calculated to assess if this variant is too frequent to cause the disease. Based on the score and internal cut-off values, a variant classified as benign is not then subjected to further curation. The score for this variant resulted in a classification of benign for this disease.

Ambry Genetics
Classification: Benign for Inborn genetic diseases. Last evaluated: 2016-08-11. Review status: criteria provided, single submitter. Criteria: Ambry Variant Classification Scheme 2023. Collection method: clinical testing. Allele origin: germline.

Center for Pediatric Genomic Medicine, Children's Mercy Hospital and Clinics
Classification: Likely benign. Last evaluated: 2016-04-25. Review status: criteria provided, single submitter. Criteria: ACMG Guidelines, 2015. Collection method: clinical testing. Allele origin: germline.
ClinVar note: Converted during submission from Likely Benign to Likely benign.

Genetic Services Laboratory, University of Chicago
Classification: Uncertain significance. Last evaluated: 2014-12-16. Review status: criteria provided, single submitter. Criteria: ACMG Guidelines, 2015. Collection method: clinical testing. Allele origin: germline.

Centre de Biologie Pathologie Génétique, Centre Hospitalier Universitaire de Lille
Classification: Likely benign for Intellectual disability. Last evaluated: 2019-01-01. Review status: no assertion criteria provided. Collection method: clinical testing. Allele origin: inherited. Affected: yes. Not counted in ClinVar's aggregate classification.